The following is an entry in ClinVar:

ClinVar aggregate classification (germline): Likely benign (1 of 4 stars; one submission).

Allele frequency attached by ClinVar (database versions not stated): gnomAD exomes 0.00012; ExAC 0.00021; gnomAD 0.00033; 1000 Genomes Project 0.00020; 1000 Genomes Project 30x 0.00031; ESP Exome Variant Server 0.00062; TOPMed 0.00042.
gnomAD v4.1: 225 of 1,613,988 alleles (0.014%); highest among the groups gnomAD compares: Middle Eastern, 0.099%; 1 homozygote.

Submission:

CeGaT Center for Human Genetics Tuebingen
Classification: Likely benign. Last evaluated: 2023-03-01. Review status: criteria provided, single submitter. Criteria: CeGaT Center For Human Genetics Tuebingen Variant Classification Criteria Version 2. Collection method: clinical testing. Allele origin: germline. Affected: yes. Observed: 1 variant allele.
Comment: VPS16: BP4, BP7

NM_022575.4(VPS16):c.2310C>T (p.Tyr770=)

Genes: PTPRA (protein tyrosine phosphatase receptor type A; plus strand), VPS16 (VPS16 core subunit of CORVET and HOPS complexes; plus strand). Cytogenetic location: 20p13.
Variant type: single nucleotide variant.
Coding change: c.2310C>T on transcript NM_022575.4 (MANE Select); coding-DNA position 2310, C replaced by T.
Protein change: p.Tyr770=; no amino-acid change (tyrosine 770 retained).
Molecular consequence: synonymous variant. On other transcripts: intron variant (1).
Genome position (GRCh38, 1-based): chr20:2,866,250, C>T. VCF-style: chr20-2866250-C-T. GRCh37 (hg19) VCF-style: chr20-2846896-C-T.
Other names: c.1878C>T, p.Tyr626= (NM_080413.3); c.-129+933C>T (NM_002836.4).
Identifiers: ClinVar variation 2652165 (VCV002652165.22), dbSNP rs141400236, ClinGen allele CA9738087.